The following is an entry in ClinVar:

ClinVar aggregate classification (germline): Uncertain significance. Review status: criteria provided, multiple submitters, no conflicts (2 of 4 stars). 2 submissions from 2 submitters: Uncertain significance (2). Last evaluated 2022-05-12.

Conditions:
Hereditary cancer-predisposing syndrome. Also called: Neoplastic Syndromes, Hereditary; Tumor predisposition; Hereditary neoplastic syndrome; Hereditary Cancer Syndrome. Identifiers: Orphanet 140162, MedGen C0027672, MeSH D009386, MONDO:0015356.
POLD1-related polyposis and colorectal cancer syndrome (CRCS10). Also called: COLORECTAL CANCER, SUSCEPTIBILITY TO, ON CHROMOSOME 19q; Colorectal cancer 10; Colorectal cancer, susceptibility to, 10. Identifiers: Orphanet 220460, MedGen C2675481, MONDO:0012953, OMIM 612591.

Submissions (2):

Ambry Genetics
Classification: Uncertain significance for Hereditary cancer-predisposing syndrome. Last evaluated: 2022-05-12. Review status: criteria provided, single submitter. Criteria: Ambry Variant Classification Scheme 2023. Collection method: clinical testing. Allele origin: germline.
Comment: The p.C1029R variant (also known as c.3085T>C), located in coding exon 24 of the POLD1 gene, results from a T to C substitution at nucleotide position 3085. The cysteine at codon 1029 is replaced by arginine, an amino acid with highly dissimilar properties. This amino acid position is conserved. In addition, this alteration is predicted to be deleterious by in silico analysis. Since supporting evidence is limited at this time, the clinical significance of this alteration remains unclear.

Labcorp Genetics (formerly Invitae), Labcorp
Classification: Uncertain significance for POLD1-related polyposis and colorectal cancer syndrome. Last evaluated: 2022-04-01. Review status: criteria provided, single submitter. Criteria: Invitae Variant Classification Sherloc (09022015). Collection method: clinical testing. Allele origin: germline.
Comment: In summary, the available evidence is currently insufficient to determine the role of this variant in disease. Therefore, it has been classified as a Variant of Uncertain Significance. Algorithms developed to predict the effect of missense changes on protein structure and function are either unavailable or do not agree on the potential impact of this missense change (SIFT: "Deleterious"; PolyPhen-2: "Probably Damaging"; Align-GVGD: "Class C0"). This variant has not been reported in the literature in individuals affected with POLD1-related conditions. This variant is not present in population databases (gnomAD no frequency). This sequence change replaces cysteine, which is neutral and slightly polar, with arginine, which is basic and polar, at codon 1029 of the POLD1 protein (p.Cys1029Arg).

NM_002691.4(POLD1):c.3085T>C (p.Cys1029Arg)

Gene: POLD1 (DNA polymerase delta 1, catalytic subunit; plus strand). Cytogenetic location: 19q13.33.
Variant type: single nucleotide variant.
Coding change: c.3085T>C on transcript NM_002691.4 (MANE Select); coding-DNA position 3085, T replaced by C.
Protein change: p.Cys1029Arg; replaces cysteine 1029 with arginine.
Molecular consequence: missense variant. On other transcripts: non-coding transcript variant (1).
Genome position (GRCh38, 1-based): chr19:50,417,062, T>C. VCF-style: chr19-50417062-T-C. GRCh37 (hg19) VCF-style: chr19-50920319-T-C.
Other names: c.3085T>C, p.Cys1029Arg (NM_001256849.1); c.3163T>C, p.Cys1055Arg (NM_001308632.1); short protein forms C1029R, C1055R.
Identifiers: ClinVar variation 1727402 (VCV001727402.7), dbSNP rs2514074555, ClinGen allele CA406987087.